The following is an entry in ClinVar:

NM_001378120.1(MBD5):c.5021G>C (p.Arg1674Pro)

Gene: MBD5 (methyl-CpG binding domain protein 5; plus strand). Cytogenetic location: 2q23.1.
Variant type: single nucleotide variant.
Coding change: c.5021G>C on transcript NM_001378120.1 (MANE Select); coding-DNA position 5021, G replaced by C.
Protein change: p.Arg1674Pro; replaces arginine 1674 with proline.
Molecular consequence: missense variant.
Genome position (GRCh38, 1-based): chr2:148,502,494, G>C. VCF-style: chr2-148502494-G-C. GRCh37 (hg19) VCF-style: chr2-149260063-G-C.
Other names: c.4322G>C, p.Arg1441Pro (NM_018328.5); c.4322G>C (NM_018328.4); short protein forms R1441P, R1674P.
Identifiers: ClinVar variation 1945350 (VCV001945350.6), dbSNP rs750291645, ClinGen allele CA1900519.

ClinVar aggregate classification (germline): Uncertain significance. Review status: criteria provided, multiple submitters, no conflicts (2 of 4 stars). 2 submissions from 2 submitters: Uncertain significance (2). Last evaluated 2023-12-04.

Conditions:
Intellectual developmental disorder, autosomal dominant 1. Also called: MBD5 Haploinsufficiency; Intellectual disability, autosomal dominant 1. Identifiers: Orphanet 228402, MedGen C1969562, MONDO:0007974, OMIM 156200.

gnomAD v4.1: 2 of 1,614,064 alleles (0.00012%); highest among the groups gnomAD compares: Middle Eastern, 0.017%; no homozygotes.

Submissions (2):

GeneDx
Classification: Uncertain significance. Last evaluated: 2023-12-04. Review status: criteria provided, single submitter. Criteria: GeneDx Variant Classification Process June 2021. Collection method: clinical testing. Allele origin: germline. Affected: yes.
Comment: Not observed at significant frequency in large population cohorts (gnomAD); In silico analysis supports that this missense variant has a deleterious effect on protein structure/function; Has not been previously published as pathogenic or benign to our knowledge

Labcorp Genetics (formerly Invitae), Labcorp
Classification: Uncertain significance for Intellectual developmental disorder, autosomal dominant 1. Last evaluated: 2023-10-13. Review status: criteria provided, single submitter. Criteria: Invitae Variant Classification Sherloc (09022015). Collection method: clinical testing. Allele origin: germline.
Comment: This sequence change replaces arginine, which is basic and polar, with proline, which is neutral and non-polar, at codon 1441 of the MBD5 protein (p.Arg1441Pro). This variant is present in population databases (rs750291645, gnomAD 0.0009%). This variant has not been reported in the literature in individuals affected with MBD5-related conditions. ClinVar contains an entry for this variant (Variation ID: 1945350). Experimental studies and prediction algorithms are not available or were not evaluated, and the functional significance of this variant is currently unknown. This variant disrupts the p.Arg1441 amino acid residue in MBD5. Other variant(s) that disrupt this residue have been determined to be pathogenic (Invitae). This suggests that this residue is clinically significant, and that variants that disrupt this residue are likely to be disease-causing. In summary, the available evidence is currently insufficient to determine the role of this variant in disease. Therefore, it has been classified as a Variant of Uncertain Significance.